The following is an entry in ClinVar:

NM_018979.4(WNK1):c.413C>T (p.Pro138Leu)

Gene: WNK1 (WNK lysine deficient protein kinase 1; plus strand). Cytogenetic location: 12p13.33.
Variant type: single nucleotide variant.
Coding change: c.413C>T on transcript NM_018979.4 (MANE Select); coding-DNA position 413, C replaced by T.
Protein change: p.Pro138Leu; replaces proline 138 with leucine.
Molecular consequence: missense variant.
Genome position (GRCh38, 1-based): chr12:753,978, C>T. VCF-style: chr12-753978-C-T. GRCh37 (hg19) VCF-style: chr12-863144-C-T.
Other names: c.413C>T, p.Pro138Leu (NM_001184985.2, NM_014823.3, NM_213655.5); short protein forms P138L.
Identifiers: ClinVar variation 471186 (VCV000471186.9), dbSNP rs1277355342, ClinGen allele CA383306262.

ClinVar aggregate classification (germline): Uncertain significance. Review status: criteria provided, multiple submitters, no conflicts (2 of 4 stars). 2 submissions from 2 submitters: Uncertain significance (2). Last evaluated 2025-07-10.

Conditions:
Neuropathy, hereditary sensory and autonomic, type 2A (HSAN2A). Also called: HSAN IIA; WNK1-Related HSAN2 (HSAN2A); ACROOSTEOLYSIS, GIACCAI TYPE; ACROOSTEOLYSIS, NEUROGENIC; MORVAN DISEASE; NEUROPATHY, CONGENITAL SENSORY. Identifiers: Orphanet 970, MedGen C2752089, MONDO:0024309, OMIM 201300.
Pseudohypoaldosteronism type 2C (PHA2C). Also called: Pseudohypoaldosteronism Type IIC. Identifiers: Orphanet 757, Orphanet 88940, MedGen C1840391, MONDO:0013778, OMIM 614492.

Allele frequency attached by ClinVar (database versions not stated): gnomAD exomes 0.00002; TOPMed 0.00003.
gnomAD v4.1: 9 of 1,594,344 alleles (0.00056%); highest among the groups gnomAD compares: Admixed American, 0.014%; no homozygotes.

Submissions (2):

Labcorp Genetics (formerly Invitae), Labcorp
Classification: Uncertain significance for Neuropathy, hereditary sensory and autonomic, type 2A; Pseudohypoaldosteronism type 2C. Last evaluated: 2025-07-10. Review status: criteria provided, single submitter. Criteria: Invitae Variant Classification Sherloc (09022015). Collection method: clinical testing. Allele origin: germline.
Comment: This sequence change replaces proline, which is neutral and non-polar, with leucine, which is neutral and non-polar, at codon 138 of the WNK1 protein (p.Pro138Leu). This variant is present in population databases (no rsID available, gnomAD 0.01%). This variant has not been reported in the literature in individuals affected with WNK1-related conditions. ClinVar contains an entry for this variant (Variation ID: 471186). Invitae Evidence Modeling of protein sequence and biophysical properties (such as structural, functional, and spatial information, amino acid conservation, physicochemical variation, residue mobility, and thermodynamic stability) indicates that this missense variant is not expected to disrupt WNK1 protein function with a negative predictive value of 95%. In summary, the available evidence is currently insufficient to determine the role of this variant in disease. Therefore, it has been classified as a Variant of Uncertain Significance.

Fulgent Genetics
Classification: Uncertain significance for Neuropathy, hereditary sensory and autonomic, type 2A; Pseudohypoaldosteronism type 2C. Last evaluated: 2022-01-19. Review status: criteria provided, single submitter. Criteria: ACMG Guidelines, 2015. Collection method: clinical testing. Allele origin: unknown.